The following is an entry in ClinVar:

ClinVar aggregate classification (germline): Uncertain significance. Review status: criteria provided, multiple submitters, no conflicts (2 of 4 stars). 2 submissions from 2 submitters: Uncertain significance (2). Last evaluated 2025-02-12.

Conditions:
Hereditary cancer-predisposing syndrome. Also called: Tumor predisposition; Hereditary neoplastic syndrome; Neoplastic Syndromes, Hereditary; Hereditary Cancer Syndrome. Identifiers: Orphanet 140162, MedGen C0027672, MeSH D009386, MONDO:0015356.

Allele frequency attached by ClinVar (database versions not stated): TOPMed 0.00001.

Submissions (2):

Labcorp Genetics (formerly Invitae), Labcorp
Classification: Uncertain significance. Last evaluated: 2025-02-12. Review status: criteria provided, single submitter. Criteria: Invitae Variant Classification Sherloc (09022015). Collection method: clinical testing. Allele origin: germline.
Comment: This sequence change replaces tyrosine, which is neutral and polar, with asparagine, which is neutral and polar, at codon 1400 of the POLE protein (p.Tyr1400Asn). This variant is not present in population databases (gnomAD no frequency). This variant has not been reported in the literature in individuals affected with POLE-related conditions. ClinVar contains an entry for this variant (Variation ID: 847347). Invitae Evidence Modeling of protein sequence and biophysical properties (such as structural, functional, and spatial information, amino acid conservation, physicochemical variation, residue mobility, and thermodynamic stability) has been performed for this missense variant. However, the output from this modeling did not meet the statistical confidence thresholds required to predict the impact of this variant on POLE protein function. In summary, the available evidence is currently insufficient to determine the role of this variant in disease. Therefore, it has been classified as a Variant of Uncertain Significance.

Ambry Genetics
Classification: Uncertain significance for Hereditary cancer-predisposing syndrome. Last evaluated: 2024-05-25. Review status: criteria provided, single submitter. Criteria: Ambry Variant Classification Scheme 2023. Collection method: clinical testing. Allele origin: germline.
Comment: The p.Y1400N variant (also known as c.4198T>A), located in coding exon 33 of the POLE gene, results from a T to A substitution at nucleotide position 4198. The tyrosine at codon 1400 is replaced by asparagine, an amino acid with dissimilar properties. This amino acid position is conserved. In addition, the in silico prediction for this alteration is inconclusive. Since supporting evidence is limited at this time, the clinical significance of this alteration remains unclear.

NM_006231.4(POLE):c.4198T>A (p.Tyr1400Asn)

Gene: POLE (DNA polymerase epsilon, catalytic subunit; minus strand). Cytogenetic location: 12q24.33.
Variant type: single nucleotide variant.
Coding change: c.4198T>A on transcript NM_006231.4 (MANE Select); coding-DNA position 4198, T replaced by A.
Protein change: p.Tyr1400Asn; replaces tyrosine 1400 with asparagine.
Molecular consequence: missense variant.
Genome position (GRCh38, 1-based): chr12:132,643,929, A>T on the plus strand (T>A on the coding strand, the complement: POLE is on the minus strand). VCF-style: chr12-132643929-A-T. GRCh37 (hg19) VCF-style: chr12-133220515-A-T.
Other names: short protein forms Y1400N.
Identifiers: ClinVar variation 847347 (VCV000847347.13), dbSNP rs761011442, ClinGen allele CA387382308.